The following is an entry in ClinVar:

NM_019066.5(MAGEL2):c.3340A>C (p.Met1114Leu)

Gene: MAGEL2 (MAGE family member L2; minus strand). Cytogenetic location: 15q11.2.
Variant type: single nucleotide variant.
Coding change: c.3340A>C on transcript NM_019066.5 (MANE Select); coding-DNA position 3340, A replaced by C.
Protein change: p.Met1114Leu; replaces methionine 1114 with leucine.
Molecular consequence: missense variant.
Genome position (GRCh38, 1-based): chr15:23,644,403, T>G on the plus strand (A>C on the coding strand, the complement: MAGEL2 is on the minus strand). VCF-style: chr15-23644403-T-G. GRCh37 (hg19) VCF-style: chr15-23889550-T-G.
Other names: short protein forms M1114L.
Identifiers: ClinVar variation 4746561 (VCV004746561.1).

ClinVar aggregate classification (germline): Uncertain significance (1 of 4 stars; one submission).

Submission:

Labcorp Genetics (formerly Invitae), Labcorp
Classification: Uncertain significance. Last evaluated: 2025-08-10. Review status: criteria provided, single submitter. Criteria: Invitae Variant Classification Sherloc (09022015). Collection method: clinical testing. Allele origin: germline.
Comment: This sequence change replaces methionine, which is neutral and non-polar, with leucine, which is neutral and non-polar, at codon 1114 of the MAGEL2 protein (p.Met1114Leu). This variant is not present in population databases (gnomAD no frequency). This variant has not been reported in the literature in individuals affected with MAGEL2-related conditions. Invitae Evidence Modeling of protein sequence and biophysical properties (such as structural, functional, and spatial information, amino acid conservation, physicochemical variation, residue mobility, and thermodynamic stability) indicates that this missense variant is not expected to disrupt MAGEL2 protein function with a negative predictive value of 80%. In summary, the available evidence is currently insufficient to determine the role of this variant in disease. Therefore, it has been classified as a Variant of Uncertain Significance.